The following is an entry in ClinVar:

NM_014714.4(IFT140):c.2998-2del

Genes: IFT140 (intraflagellar transport 140; minus strand), LOC126862260 (CDK7 strongly-dependent group 2 enhancer GRCh37_chr16:1574508-1575707; plus strand). Cytogenetic location: 16p13.3.
Variant type: Deletion.
Coding change: c.2998-2del on transcript NM_014714.4 (MANE Select); the canonical splice acceptor site of the intron before coding-DNA position 2998, one base deleted (A; older notation c.2998-2delA).
Molecular consequence: splice acceptor variant.
Genome position (GRCh38, 1-based): chr16:1,524,697, T deleted on the plus strand (A on the coding strand, the reverse complement: IFT140 is on the minus strand). VCF-style (leftmost placement, unchanged base first): chr16-1524696-CT-C. GRCh37 (hg19) VCF-style: chr16-1574697-CT-C.
Identifiers: ClinVar variation 1488192 (VCV001488192.6), dbSNP rs2141171226, ClinGen allele CA2573151743.

ClinVar aggregate classification (germline): Likely pathogenic (1 of 4 stars; one submission).

Conditions:
Saldino-Mainzer syndrome (SRTD9). Also called: Renal dysplasia, retinal pigmentary dystrophy, cerebellar ataxia and skeletal dysplasia; CONORENAL SYNDROME; SHORT-RIB THORACIC DYSPLASIA 9 WITHOUT POLYDACTYLY; short-rib thoracic dysplasia 9 with or without polydactyly. Identifiers: Orphanet 140969, MedGen C1849437, MONDO:0009964, OMIM 266920.

Allele frequency attached by ClinVar (database versions not stated): gnomAD exomes below 0.00001.

Submission:

Labcorp Genetics (formerly Invitae), Labcorp
Classification: Likely pathogenic for Saldino-Mainzer syndrome. Last evaluated: 2025-04-16. Review status: criteria provided, single submitter. Criteria: Invitae Variant Classification Sherloc (09022015). Collection method: clinical testing. Allele origin: germline.
Comment: This sequence change affects a splice site in intron 23 of the IFT140 gene. It is expected to disrupt RNA splicing. Variants that disrupt the donor or acceptor splice site typically lead to a loss of protein function (PMID: 16199547), and loss-of-function variants in IFT140 are known to be pathogenic (PMID: 22503633, 23418020, 24009529, 26216056). This variant is not present in population databases (gnomAD no frequency). This variant has not been reported in the literature in individuals affected with IFT140-related conditions. ClinVar contains an entry for this variant (Variation ID: 1488192). Algorithms developed to predict the effect of sequence changes on RNA splicing suggest that this variant may disrupt the consensus splice site. In summary, the currently available evidence indicates that the variant is pathogenic, but additional data are needed to prove that conclusively. Therefore, this variant has been classified as Likely Pathogenic.

Literature cited by the submitters: PubMed 16199547; PubMed 22503633; PubMed 23418020; PubMed 24009529; PubMed 26216056.